The following is an entry in ClinVar:

ClinVar aggregate classification (germline): Uncertain significance (1 of 4 stars; one submission).

Submission:

Greenwood Genetic Center Diagnostic Laboratories, Greenwood Genetic Center
Classification: Uncertain significance. Last evaluated: 2026-06-16. Review status: criteria provided, single submitter. Criteria: ACMG Guidelines, 2015. Collection method: clinical testing. Allele origin: germline.
Comment: PM2, BP4

NM_006885.4(ZFHX3):c.631C>A (p.Pro211Thr)

Gene: ZFHX3 (zinc finger homeobox 3; minus strand). Cytogenetic location: 16q22.3.
Variant type: single nucleotide variant.
Coding change: c.631C>A on transcript NM_006885.4 (MANE Select); coding-DNA position 631, C replaced by A.
Protein change: p.Pro211Thr; replaces proline 211 with threonine.
Molecular consequence: missense variant. On other transcripts: intron variant (1).
Genome position (GRCh38, 1-based): chr16:72,959,515, G>T on the plus strand (C>A on the coding strand, the complement: ZFHX3 is on the minus strand). VCF-style: chr16-72959515-G-T. GRCh37 (hg19) VCF-style: chr16-72993414-G-T.
Other names: c.631C>A, p.Pro211Thr (NM_001386735.1); c.-23-8550C>A (NM_001164766.2); short protein forms P211T.
Identifiers: ClinVar variation 4891155 (VCV004891155.1).